The following is an entry in ClinVar:

ClinVar aggregate classification (germline): Benign/Likely benign. Review status: criteria provided, multiple submitters, no conflicts (2 of 4 stars). 3 submissions from 3 submitters: Benign (1); Likely benign (2). Last evaluated 2026-06-17.

Conditions:
Hereditary cancer-predisposing syndrome. Also called: Neoplastic Syndromes, Hereditary; Hereditary Cancer Syndrome; Hereditary neoplastic syndrome; Tumor predisposition. Identifiers: Orphanet 140162, MedGen C0027672, MeSH D009386, MONDO:0015356.
Polyps, multiple and recurrent inflammatory fibroid, gastrointestinal. Identifiers: MedGen C5193005, MONDO:0008285, OMIM 175510.
Gastrointestinal stromal tumor. Also called: Gastrointestinal stromal tumor, somatic; Gastrointestinal stroma tumor. Identifiers: Orphanet 44890, MedGen C0238198, MeSH D046152, MONDO:0011719, OMIM 606764, HP:0100723.

Allele frequency attached by ClinVar (database versions not stated): gnomAD exomes 0.00001 and 0.00002; ExAC 0.00002.
gnomAD v4.1: 5 of 1,613,842 alleles (0.00031%); highest among the groups gnomAD compares: Admixed American, 0.0083%; no homozygotes.

Submissions (3):

Myriad Genetics, Inc.
Classification: Benign for Polyps, multiple and recurrent inflammatory fibroid, gastrointestinal. Last evaluated: 2026-06-17. Review status: criteria provided, single submitter. Criteria: Myriad Autosomal Dominant, Autosomal Recessive and X-Linked Classification Criteria (2023). Collection method: clinical testing. Allele origin: unknown.
Comment: This variant is considered benign. This variant is a silent/synonymous amino acid change and it is not expected to impact splicing.

Labcorp Genetics (formerly Invitae), Labcorp
Classification: Likely benign for Gastrointestinal stromal tumor. Last evaluated: 2026-01-05. Review status: criteria provided, single submitter. Criteria: Invitae Variant Classification Sherloc (09022015). Collection method: clinical testing. Allele origin: germline.

Ambry Genetics
Classification: Likely benign for Hereditary cancer-predisposing syndrome. Last evaluated: 2022-06-18. Review status: criteria provided, single submitter. Criteria: Ambry Variant Classification Scheme 2023. Collection method: clinical testing. Allele origin: germline.

NM_006206.6(PDGFRA):c.1368T>C (p.Cys456=)

Gene: PDGFRA (platelet derived growth factor receptor alpha; plus strand). Cytogenetic location: 4q12.
Variant type: single nucleotide variant.
Coding change: c.1368T>C on transcript NM_006206.6 (MANE Select); coding-DNA position 1368, T replaced by C.
Protein change: p.Cys456=; no amino-acid change (cysteine 456 retained).
Molecular consequence: synonymous variant.
Genome position (GRCh38, 1-based): chr4:54,273,540, T>C. VCF-style: chr4-54273540-T-C. GRCh37 (hg19) VCF-style: chr4-55139707-T-C.
Other names: c.1368T>C, p.Cys456= (NM_001347827.2, NM_001347829.2); c.1443T>C, p.Cys481= (NM_001347828.2); c.1407T>C, p.Cys469= (NM_001347830.2).
Identifiers: ClinVar variation 738717 (VCV000738717.14), dbSNP rs766805616, ClinGen allele CA2922553.